The following is an entry in ClinVar:

ClinVar aggregate classification (germline): Uncertain significance (1 of 4 stars; one submission).

Submission:

GeneDx
Classification: Uncertain significance. Last evaluated: 2025-04-08. Review status: criteria provided, single submitter. Criteria: GeneDx Variant Classification Process June 2021. Collection method: clinical testing. Allele origin: germline.
Comment: Not observed at significant frequency in large population cohorts (gnomAD); In silico analysis supports that this missense variant has a deleterious effect on protein structure/function; Has not been previously published as pathogenic or benign to our knowledge

NM_182641.4(BPTF):c.6534G>C (p.Gln2178His)

Gene: BPTF (bromodomain PHD finger transcription factor; plus strand). Cytogenetic location: 17q24.2.
Variant type: single nucleotide variant.
Coding change: c.6534G>C on transcript NM_182641.4 (MANE Select); coding-DNA position 6534, G replaced by C.
Protein change: p.Gln2178His; replaces glutamine 2178 with histidine.
Molecular consequence: missense variant.
Genome position (GRCh38, 1-based): chr17:67,944,206, G>C. VCF-style: chr17-67944206-G-C. GRCh37 (hg19) VCF-style: chr17-65940322-G-C.
Other names: c.6912G>C, p.Gln2304His (NM_004459.7); short protein forms Q2178H, Q2304H.
Identifiers: ClinVar variation 2504698 (VCV002504698.2), dbSNP rs2512475260, ClinGen allele CA400722718.
Genomic context (GRCh38, chr17:67,944,206, plus strand): 5'-ACAGGGTGGCAATCAAGGTTTGACAGTAGTAATTCAAGGACAAGGTCAAACTACTGGACA[G>C]TTGCAGTTGATACCTCAAGGGGTGACTGTACTCCCAGGCCCAGGCCAGCAGCTAATGCAA-3'
Protein context (NP_872579.2, residues 2168-2188): VIQGQGQTTG[Gln2178His]LQLIPQGVTV